The following is an entry in ClinVar:

ClinVar aggregate classification (germline): Uncertain significance (1 of 4 stars; one submission).

Conditions:
Melnick-Fraser syndrome (BOR). Also called: Branchiootorenal syndrome; Branchio-oto-renal syndrome; Branchiootorenal Syndrome (BORS). Identifiers: Orphanet 107, MedGen C0265234, MONDO:0007029.

Submission:

Labcorp Genetics (formerly Invitae), Labcorp
Classification: Uncertain significance for Melnick-Fraser syndrome. Last evaluated: 2023-09-27. Review status: criteria provided, single submitter. Criteria: Invitae Variant Classification Sherloc (09022015). Collection method: clinical testing. Allele origin: germline.
Comment: This sequence change replaces arginine, which is basic and polar, with proline, which is neutral and non-polar, at codon 361 of the EYA1 protein (p.Arg361Pro). This variant is not present in population databases (gnomAD no frequency). This variant has not been reported in the literature in individuals affected with EYA1-related conditions. Advanced modeling of protein sequence and biophysical properties (such as structural, functional, and spatial information, amino acid conservation, physicochemical variation, residue mobility, and thermodynamic stability) has been performed at Invitae for this missense variant, however the output from this modeling did not meet the statistical confidence thresholds required to predict the impact of this variant on EYA1 protein function. In summary, the available evidence is currently insufficient to determine the role of this variant in disease. Therefore, it has been classified as a Variant of Uncertain Significance.

NM_000503.6(EYA1):c.1082G>C (p.Arg361Pro)

Gene: EYA1 (EYA transcriptional coactivator and phosphatase 1; minus strand). Cytogenetic location: 8q13.3.
Variant type: single nucleotide variant.
Coding change: c.1082G>C on transcript NM_000503.6 (MANE Select); coding-DNA position 1082, G replaced by C.
Protein change: p.Arg361Pro; replaces arginine 361 with proline.
Molecular consequence: missense variant. On other transcripts: intron variant (2).
Genome position (GRCh38, 1-based): chr8:71,244,661, C>G on the plus strand (G>C on the coding strand, the complement: EYA1 is on the minus strand). VCF-style: chr8-71244661-C-G. GRCh37 (hg19) VCF-style: chr8-72156896-C-G.
Other names: c.1064G>C, p.Arg355Pro (NM_001288574.2); c.716G>C, p.Arg239Pro (NM_001288575.2); c.1169G>C, p.Arg390Pro (NM_001370333.1); c.1082G>C, p.Arg361Pro (NM_001370334.1, NM_001370335.1, NM_172058.4); c.983G>C, p.Arg328Pro (NM_001411797.1, NM_172060.4); c.1119+25079G>C (NM_001370336.1); c.1122+25079G>C (NM_172059.5); short protein forms R239P, R328P, R361P, R355P, R390P.
Identifiers: ClinVar variation 2747443 (VCV002747443.3), dbSNP rs145219836, ClinGen allele CA371467794.